The following is an entry in ClinVar:

ClinVar aggregate classification (germline): Conflicting classifications of pathogenicity. Review status: criteria provided, conflicting classifications (1 of 4 stars). 9 submissions from 9 submitters: Uncertain significance (1); Benign (1); Likely benign (6). 1 of the submissions does not count toward it. Last evaluated 2025-03-09.

Conditions:
ATP7B-related disorder. Also called: ATP7B-related condition.
Inborn genetic diseases. Identifiers: MedGen C0950123, MeSH D030342.
Wilson disease (WND). Also called: Wilson's disease. Identifiers: Orphanet 905, MedGen C0019202, MONDO:0010200, OMIM 277900. Disease mechanism: loss of function.

Allele frequency attached by ClinVar (database versions not stated): gnomAD 0.00001; gnomAD exomes 0.00001 and 0.00006; TOPMed 0.00002.

Submissions (9):

Labcorp Genetics (formerly Invitae), Labcorp
Classification: Likely benign for Wilson disease. Last evaluated: 2025-03-09. Review status: criteria provided, single submitter. Criteria: Invitae Variant Classification Sherloc (09022015). Collection method: clinical testing. Allele origin: germline.

Blueprint Genetics
Classification: Likely benign. Last evaluated: 2024-08-21. Review status: criteria provided, single submitter. Criteria: ACMG Guidelines, 2015. Collection method: clinical testing. Allele origin: germline.

All of Us Research Program, National Institutes of Health
Classification: Likely benign for Wilson disease. Last evaluated: 2023-12-01. Review status: criteria provided, single submitter. Criteria: ACMG Guidelines, 2015. Collection method: clinical testing. Allele origin: germline. Inheritance: Autosomal recessive inheritance. Observed: 7 variant alleles, 7 heterozygotes.
Comment: This study involves interpretation of variants in research participants for the purpose of population health screening. Participant phenotype was not available at the time of variant classification. Additional details can be found in publication PMID: 35346344, PMCID: PMC8962531

Color Diagnostics, LLC DBA Color Health
Classification: Likely benign for Wilson disease. Last evaluated: 2022-05-26. Review status: criteria provided, single submitter. Criteria: ACMG Guidelines, 2015. Collection method: clinical testing. Allele origin: germline.

Genome-Nilou Lab
Classification: Likely benign for Wilson disease. Last evaluated: 2021-08-10. Review status: criteria provided, single submitter. Criteria: ACMG Guidelines, 2015. Collection method: clinical testing. Allele origin: germline. Affected: no.

Ambry Genetics
Classification: Likely benign for Inborn genetic diseases. Last evaluated: 2020-08-25. Review status: criteria provided, single submitter. Criteria: Ambry Variant Classification Scheme 2023. Collection method: clinical testing. Allele origin: germline.

Illumina Laboratory Services, Illumina
Classification: Uncertain significance for Wilson disease. Last evaluated: 2018-01-13. Review status: criteria provided, single submitter. Criteria: ICSL Variant Classification Criteria 13 December 2019. Collection method: clinical testing. Allele origin: germline.

Genetic Services Laboratory, University of Chicago
Classification: Benign. Last evaluated: 2013-02-08. Review status: criteria provided, single submitter. Criteria: ACMG Guidelines, 2007. Collection method: clinical testing. Allele origin: germline. Inheritance: Autosomal recessive inheritance.

PreventionGenetics, part of Exact Sciences
Classification: Likely benign for ATP7B-related condition. Last evaluated: 2023-09-19. Review status: no assertion criteria provided. Collection method: clinical testing. Allele origin: germline. Not counted in ClinVar's aggregate classification.
Comment: This variant is classified as likely benign based on ACMG/AMP sequence variant interpretation guidelines (Richards et al. 2015 PMID: 25741868, with internal and published modifications).

NM_000053.4(ATP7B):c.3498T>C (p.Ser1166=)

Gene: ATP7B (ATPase copper transporting beta; minus strand). Cytogenetic location: 13q14.3.
Variant type: single nucleotide variant.
Coding change: c.3498T>C on transcript NM_000053.4 (MANE Select); coding-DNA position 3498, T replaced by C.
Protein change: p.Ser1166=; no amino-acid change (serine 1166 retained).
Molecular consequence: synonymous variant.
Genome position (GRCh38, 1-based): chr13:51,941,139, A>G on the plus strand (T>C on the coding strand, the complement: ATP7B is on the minus strand). VCF-style: chr13-51941139-A-G. GRCh37 (hg19) VCF-style: chr13-52515275-A-G.
Other names: c.2877T>C, p.Ser959= (NM_001005918.3); c.3165T>C, p.Ser1055= (NM_001243182.2); c.3264T>C, p.Ser1088= (NM_001330578.2); c.3246T>C, p.Ser1082= (NM_001330579.2).
Identifiers: ClinVar variation 157951 (VCV000157951.28), dbSNP rs587783314, ClinGen allele CA171319.